The following is an entry in ClinVar:

NM_001365536.1(SCN9A):c.2293C>T (p.His765Tyr)

Genes: SCN1A-AS1 (SCN1A and SCN9A antisense RNA 1; plus strand), SCN9A (sodium voltage-gated channel alpha subunit 9; minus strand). Cytogenetic location: 2q24.3.
Variant type: single nucleotide variant.
Coding change: c.2293C>T on transcript NM_001365536.1 (MANE Select); coding-DNA position 2293, C replaced by T.
Protein change: p.His765Tyr; replaces histidine 765 with tyrosine.
Molecular consequence: missense variant.
Genome position (GRCh38, 1-based): chr2:166,280,407, G>A on the plus strand (C>T on the coding strand, the complement: SCN9A is on the minus strand). VCF-style: chr2-166280407-G-A. GRCh37 (hg19) VCF-style: chr2-167136917-G-A.
Other names: c.2260C>T, p.His754Tyr (NM_002977.4); short protein forms H754Y, H765Y.
Identifiers: ClinVar variation 3754487 (VCV003754487.2).

ClinVar aggregate classification (germline): Uncertain significance (1 of 4 stars; one submission).

Conditions:
Neuropathy, hereditary sensory and autonomic, type 2A (HSAN2A). Also called: ACROOSTEOLYSIS, GIACCAI TYPE; ACROOSTEOLYSIS, NEUROGENIC; WNK1-Related HSAN2 (HSAN2A); MORVAN DISEASE; NEUROPATHY, CONGENITAL SENSORY; NEUROPATHY, HEREDITARY SENSORY RADICULAR, AUTOSOMAL RECESSIVE. Identifiers: Orphanet 970, MedGen C2752089, MONDO:0024309, OMIM 201300.
Generalized epilepsy with febrile seizures plus, type 7 (GEFSP7). Also called: GEFS+, TYPE 7. Identifiers: Orphanet 36387, MedGen C2751778, MONDO:0013470, OMIM 613863.

gnomAD v4.1: 3 of 1,591,016 alleles (0.00019%); highest among the groups gnomAD compares: Non-Finnish European, 0.00026%; no homozygotes.

Submission:

Labcorp Genetics (formerly Invitae), Labcorp
Classification: Uncertain significance for Neuropathy, hereditary sensory and autonomic, type 2A; Generalized epilepsy with febrile seizures plus, type 7. Last evaluated: 2024-02-07. Review status: criteria provided, single submitter. Criteria: Invitae Variant Classification Sherloc (09022015). Collection method: clinical testing. Allele origin: germline.
Comment: This sequence change replaces histidine, which is basic and polar, with tyrosine, which is neutral and polar, at codon 754 of the SCN9A protein (p.His754Tyr). This variant is not present in population databases (gnomAD no frequency). This variant has not been reported in the literature in individuals affected with SCN9A-related conditions. Advanced modeling of protein sequence and biophysical properties (such as structural, functional, and spatial information, amino acid conservation, physicochemical variation, residue mobility, and thermodynamic stability) performed at Invitae indicates that this missense variant is not expected to disrupt SCN9A protein function with a negative predictive value of 95%. In summary, the available evidence is currently insufficient to determine the role of this variant in disease. Therefore, it has been classified as a Variant of Uncertain Significance.